The following is an entry in ClinVar:

NM_001267550.2(TTN):c.34342G>A (p.Ala11448Thr)

Gene: TTN (titin; minus strand). Cytogenetic location: 2q31.2.
Variant type: single nucleotide variant.
Coding change: c.34342G>A on transcript NM_001267550.2 (MANE Select); coding-DNA position 34342, G replaced by A.
Protein change: p.Ala11448Thr; replaces alanine 11448 with threonine.
Molecular consequence: missense variant. On other transcripts: intron variant (5).
Genome position (GRCh38, 1-based): chr2:178,677,237, C>T on the plus strand (G>A on the coding strand, the complement: TTN is on the minus strand). VCF-style: chr2-178677237-C-T. GRCh37 (hg19) VCF-style: chr2-179541964-C-T.
Other names: c.13283-34920G>A (NM_003319.4); c.13859-34920G>A (NM_133437.4); c.13658-34920G>A (NM_133432.3); c.30559+384G>A (NM_133378.4); c.33340+384G>A (NM_001256850.1); short protein forms A11448T.
Identifiers: ClinVar variation 3771492 (VCV003771492.13).

ClinVar aggregate classification (germline): Uncertain significance (1 of 4 stars; one submission).

gnomAD v4.1: 105 of 1,221,368 alleles (0.0086%); highest among the groups gnomAD compares: Non-Finnish European, 0.0099%; no homozygotes.

Submission:

CeGaT Center for Human Genetics Tuebingen
Classification: Uncertain significance. Last evaluated: 2025-01-01. Review status: criteria provided, single submitter. Criteria: CeGaT Center For Human Genetics Tuebingen Variant Classification Criteria Version 2. Collection method: clinical testing. Allele origin: germline. Affected: yes. Observed: 1 variant allele.
Comment: TTN: PM2:Supporting